The following is an entry in ClinVar:

NM_001378615.1(CC2D2A):c.3076A>G (p.Lys1026Glu)

Genes: CC2D2A (coiled-coil and C2 domain containing 2A; plus strand), FBXL5 (F-box and leucine rich repeat protein 5; minus strand). Cytogenetic location: 4p15.32.
Variant type: single nucleotide variant.
Coding change: c.3076A>G on transcript NM_001378615.1 (MANE Select); coding-DNA position 3076, A replaced by G.
Protein change: p.Lys1026Glu; replaces lysine 1026 with glutamic acid.
Molecular consequence: missense variant.
Genome position (GRCh38, 1-based): chr4:15,563,416, A>G. VCF-style: chr4-15563416-A-G. GRCh37 (hg19) VCF-style: chr4-15565039-A-G.
Other names: c.3076A>G, p.Lys1026Glu (NM_001080522.2); c.2929A>G, p.Lys977Glu (NM_001378617.1); short protein forms K1026E, K977E.
Identifiers: ClinVar variation 373581 (VCV000373581.11), dbSNP rs759702917, ClinGen allele CA2864072.

ClinVar aggregate classification (germline): Uncertain significance. Review status: criteria provided, multiple submitters, no conflicts (2 of 4 stars). 3 submissions from 3 submitters: Uncertain significance (3). Last evaluated 2024-05-23.

Conditions:
Meckel-Gruber syndrome. Also called: Dysencephalia splachnocystica; DYSENCEPHALIA SPLANCHNOCYSTICA; GRUBER SYNDROME. Identifiers: Orphanet 564, MedGen C0265215, MONDO:0018921.
Joubert syndrome. Also called: JOUBERT-BOLTSHAUSER SYNDROME; Familial aplasia of the vermis. Identifiers: Orphanet 475, MedGen C5979921, MONDO:0018772.
Joubert syndrome 9 (JBTS9). Identifiers: Orphanet 2318, MedGen C2676788, MONDO:0012849, OMIM 612285.

Allele frequency attached by ClinVar (database versions not stated): ExAC 0.00001; gnomAD 0.00001; gnomAD exomes 0.00001; TOPMed 0.00008.
gnomAD v4.1: 6 of 1,609,750 alleles (0.00037%); highest among the groups gnomAD compares: Admixed American, 0.0067%; no homozygotes.

Submissions (3):

Pittsburgh Clinical Genomics Laboratory, University of Pittsburgh Medical Center
Classification: Uncertain significance for Joubert syndrome 9. Last evaluated: 2024-05-23. Review status: criteria provided, single submitter. Criteria: ACMG Guidelines, 2015. Collection method: clinical testing. Allele origin: germline. Inheritance: Autosomal recessive inheritance. Affected: yes.
Comment: This sequence variant is a single nucleotide substitution (A>G) at position 3076 of the coding sequence of the CC2D2A gene that results in a lysine to glutamic acid amino acid change at residue 1026 of the coiled-coil and C2 domain containing 2A protein. This residue falls in the C2 domain (UniProt) which is predicted to be involved in calcium-dependent membrane targeting (PMID: 18387594). This is a previously reported variant (ClinVar 373581) that has not been observed in individuals affected by CC2D2A-related disorders in the published literature, to our knowledge. This variant is present in 6 of 1609750 alleles (0.0013%) in the gnomAD v4.1.0 population dataset. Multiple bioinformatic tools predict that this amino acid change would be damaging, and the Lys1026 residue at this position is highly conserved across the vertebrate species examined. Studies examining the functional consequence of this variant have not been published, to our knowledge. At this time, there is insufficient evidence to determine if this variant is pathogenic or benign. Therefore, we consider this a variant of uncertain significance. ACMG Criteria: PM2, PP3

Labcorp Genetics (formerly Invitae), Labcorp
Classification: Uncertain significance for Joubert syndrome; Meckel-Gruber syndrome. Last evaluated: 2022-10-04. Review status: criteria provided, single submitter. Criteria: Invitae Variant Classification Sherloc (09022015). Collection method: clinical testing. Allele origin: germline.
Comment: This sequence change replaces lysine, which is basic and polar, with glutamic acid, which is acidic and polar, at codon 1026 of the CC2D2A protein (p.Lys1026Glu). This variant is present in population databases (rs759702917, gnomAD 0.006%). This variant has not been reported in the literature in individuals affected with CC2D2A-related conditions. ClinVar contains an entry for this variant (Variation ID: 373581). Advanced modeling of protein sequence and biophysical properties (such as structural, functional, and spatial information, amino acid conservation, physicochemical variation, residue mobility, and thermodynamic stability) has been performed at Invitae for this missense variant, however the output from this modeling did not meet the statistical confidence thresholds required to predict the impact of this variant on CC2D2A protein function. In summary, the available evidence is currently insufficient to determine the role of this variant in disease. Therefore, it has been classified as a Variant of Uncertain Significance.

GeneDx
Classification: Uncertain significance. Last evaluated: 2016-11-25. Review status: criteria provided, single submitter. Criteria: GeneDx Variant Classification (06012015). Collection method: clinical testing. Allele origin: germline. Affected: yes.
Comment: A variant of uncertain significance has been identified in the CC2D2A gene. The K1026E variant has not been published as a pathogenic variant, nor has it been reported as a benign variant to our knowledge. It was not observed in approximately 6,100 individuals of European and African American ancestry in the NHLBI Exome Sequencing Project, indicating it is not a common benign variant in these populations. The K1026E variant is a non-conservative amino acid substitution, which is likely to impact secondary protein structure as these residues differ in polarity, charge, size and/or other properties. This substitution occurs at a position that is conserved across species, and in silico analysis predicts this variant is probably damaging to the protein structure/function. Based on the currently available information, it is unclear whether this variant is a pathogenic variant or a rare benign variant.

Literature cited by the submitters: PubMed 18387594 (cited by Pittsburgh Clinical Genomics Laboratory, University of Pittsburgh Medical Center).